The following is an entry in ClinVar:

NM_006642.5(SDCCAG8):c.427C>G (p.Leu143Val)

Gene: SDCCAG8 (SHH signaling and ciliogenesis regulator SDCCAG8; plus strand). Cytogenetic location: 1q43.
Variant type: single nucleotide variant.
Coding change: c.427C>G on transcript NM_006642.5 (MANE Select); coding-DNA position 427, C replaced by G.
Protein change: p.Leu143Val; replaces leucine 143 with valine.
Molecular consequence: missense variant. On other transcripts: 5 prime UTR variant (3).
Genome position (GRCh38, 1-based): chr1:243,286,278, C>G. VCF-style: chr1-243286278-C-G. GRCh37 (hg19) VCF-style: chr1-243449580-C-G.
Other names: c.-686C>G (NM_001350246.2); c.-574C>G (NM_001350247.2); c.427C>G, p.Leu143Val (NM_001350248.2); c.133C>G, p.Leu45Val (NM_001350249.2); c.-947C>G (NM_001350251.2); c.427C>G (NM_006642.3); short protein forms L45V, L143V.
Identifiers: ClinVar variation 1513314 (VCV001513314.6), dbSNP rs371179612, ClinGen allele CA1483314.

ClinVar aggregate classification (germline): Uncertain significance. Review status: criteria provided, single submitter (1 of 4 stars). 2 submissions from 2 submitters: Uncertain significance (1). 1 of the submissions does not count toward it. Last evaluated 2022-06-13.

Conditions:
SDCCAG8-related disorder. Also called: SDCCAG8-related condition; SDCCAG8-Related Disorders.
Senior-Loken syndrome 7 (SLSN7). Identifiers: Orphanet 3156, MedGen C3150877, MONDO:0013326, OMIM 613615.
Bardet-Biedl syndrome 16 (BBS16). Identifiers: Orphanet 110, MedGen C3889474, MONDO:0014444, OMIM 615993.

Allele frequency attached by ClinVar (database versions not stated): ExAC 0.00001; ESP Exome Variant Server 0.00008.
gnomAD v4.1: 3 of 1,613,768 alleles (0.00019%); highest among the groups gnomAD compares: African/African-American, 0.004%; no homozygotes.

Submissions (2):

Labcorp Genetics (formerly Invitae), Labcorp
Classification: Uncertain significance for Bardet-Biedl syndrome 16; Senior-Loken syndrome 7. Last evaluated: 2022-06-13. Review status: criteria provided, single submitter. Criteria: Invitae Variant Classification Sherloc (09022015). Collection method: clinical testing. Allele origin: germline.
Comment: This sequence change replaces leucine, which is neutral and non-polar, with valine, which is neutral and non-polar, at codon 143 of the SDCCAG8 protein (p.Leu143Val). This variant is present in population databases (rs371179612, gnomAD 0.004%). This variant has not been reported in the literature in individuals affected with SDCCAG8-related conditions. Algorithms developed to predict the effect of missense changes on protein structure and function (SIFT, PolyPhen-2, Align-GVGD) all suggest that this variant is likely to be disruptive. In summary, the available evidence is currently insufficient to determine the role of this variant in disease. Therefore, it has been classified as a Variant of Uncertain Significance.

PreventionGenetics, part of Exact Sciences
Classification: Uncertain significance for SDCCAG8-related condition. Last evaluated: 2024-04-24. Review status: no assertion criteria provided. Collection method: clinical testing. Allele origin: germline. Not counted in ClinVar's aggregate classification.
Comment: The SDCCAG8 c.427C>G variant is predicted to result in the amino acid substitution p.Leu143Val. To our knowledge, this variant has not been reported in the literature. This variant is reported in 0.011% of alleles in individuals of African descent in gnomAD. At this time, the clinical significance of this variant is uncertain due to the absence of conclusive functional and genetic evidence.